The following is an entry in ClinVar:

ClinVar aggregate classification (germline): Conflicting classifications of pathogenicity. Review status: criteria provided, conflicting classifications (1 of 4 stars). 4 submissions from 4 submitters: Uncertain significance (2); Benign (1); Likely benign (1). Last evaluated 2024-08-04.

Conditions:
Microcephaly, normal intelligence and immunodeficiency (NBS). Also called: BERLIN BREAKAGE SYNDROME; SEEMANOVA SYNDROME II; Nijmegen breakage syndrome; IMMUNODEFICIENCY, MICROCEPHALY, AND CHROMOSOMAL INSTABILITY; Immunodeficiency, microcephaly with normal intelligence; Microcephaly with normal intelligence immunodeficiency and lymphoreticular malignancies. Identifiers: Orphanet 647, MedGen C0398791, MONDO:0009623, OMIM 251260.

Allele frequency attached by ClinVar (database versions not stated): ExAC 0.00001; gnomAD 0.00001; gnomAD exomes 0.00001; TOPMed 0.00002.
gnomAD v4.1: 8 of 1,608,436 alleles (0.0005%); highest among the groups gnomAD compares: African/African-American, 0.0013%; no homozygotes.

Submissions (4):

Labcorp Genetics (formerly Invitae), Labcorp
Classification: Uncertain significance for Microcephaly, normal intelligence and immunodeficiency. Last evaluated: 2024-08-04. Review status: criteria provided, single submitter. Criteria: Invitae Variant Classification Sherloc (09022015). Collection method: clinical testing. Allele origin: germline.
Comment: This sequence change falls in intron 3 of the NBN gene. It does not directly change the encoded amino acid sequence of the NBN protein. This variant is present in population databases (rs763878712, gnomAD 0.007%). This variant has not been reported in the literature in individuals affected with NBN-related conditions. ClinVar contains an entry for this variant (Variation ID: 378232). Studies have shown that this variant is associated with inconclusive levels of altered splicing (Invitae). In summary, the available evidence is currently insufficient to determine the role of this variant in disease. Therefore, it has been classified as a Variant of Uncertain Significance.

Genome-Nilou Lab
Classification: Likely benign for Microcephaly, normal intelligence and immunodeficiency. Last evaluated: 2021-11-07. Review status: criteria provided, single submitter. Criteria: ACMG Guidelines, 2015. Collection method: clinical testing. Allele origin: germline. Affected: no.

PreventionGenetics, part of Exact Sciences
Classification: Uncertain significance. Last evaluated: 2017-11-02. Review status: criteria provided, single submitter. Criteria: ACMG Guidelines, 2015. Collection method: clinical testing. Allele origin: germline.

GeneDx
Classification: Benign. Last evaluated: 2015-06-17. Review status: criteria provided, single submitter. Criteria: GeneDx Variant Classification (06012015). Collection method: clinical testing. Allele origin: germline. Affected: yes.
Comment: This variant is considered likely benign or benign based on one or more of the following criteria: it is a conservative change, it occurs at a poorly conserved position in the protein, it is predicted to be benign by multiple in silico algorithms, and/or has population frequency not consistent with disease.

NM_002485.5(NBN):c.321-17C>G

Gene: NBN (nibrin; minus strand). Cytogenetic location: 8q21.3.
Variant type: single nucleotide variant.
Coding change: c.321-17C>G on transcript NM_002485.5 (MANE Select); 17 bases into the intron before coding-DNA position 321, C replaced by G.
Molecular consequence: intron variant.
Genome position (GRCh38, 1-based): chr8:89,980,910, G>C on the plus strand (C>G on the coding strand, the complement: NBN is on the minus strand). VCF-style: chr8-89980910-G-C. GRCh37 (hg19) VCF-style: chr8-90993138-G-C.
Other names: c.75-17C>G (NM_001024688.3).
Identifiers: ClinVar variation 378232 (VCV000378232.10), dbSNP rs763878712, ClinGen allele CA4803000.